The following is an entry in ClinVar:

NM_032043.3(BRIP1):c.3076T>C (p.Ser1026Pro)

Gene: BRIP1 (BRCA1 interacting DNA helicase 1; minus strand). Cytogenetic location: 17q23.2.
Variant type: single nucleotide variant.
Coding change: c.3076T>C on transcript NM_032043.3 (MANE Select); coding-DNA position 3076, T replaced by C.
Protein change: p.Ser1026Pro; replaces serine 1026 with proline.
Molecular consequence: missense variant.
Genome position (GRCh38, 1-based): chr17:61,683,970, A>G on the plus strand (T>C on the coding strand, the complement: BRIP1 is on the minus strand). VCF-style: chr17-61683970-A-G. GRCh37 (hg19) VCF-style: chr17-59761331-A-G.
Other names: short protein forms S1026P.
Identifiers: ClinVar variation 483213 (VCV000483213.13), dbSNP rs756712872, ClinGen allele CA8690402.

ClinVar aggregate classification (germline): Uncertain significance. Review status: criteria provided, multiple submitters, no conflicts (2 of 4 stars). 3 submissions from 3 submitters: Uncertain significance (3). Last evaluated 2023-09-20.

Conditions:
Hereditary cancer-predisposing syndrome. Also called: Hereditary neoplastic syndrome; Neoplastic Syndromes, Hereditary; Tumor predisposition; Hereditary Cancer Syndrome. Identifiers: Orphanet 140162, MedGen C0027672, MeSH D009386, MONDO:0015356.
Fanconi anemia complementation group J. Also called: BRIP1-Related Fanconi Anemia. Identifiers: Orphanet 84, MedGen C1836860, MONDO:0012187, OMIM 609054.
Familial cancer of breast. Also called: BREAST CANCER, FAMILIAL; Hereditary breast cancer; hereditary breast carcinoma. Identifiers: Orphanet 227535, MedGen C0346153, MONDO:0016419, OMIM 114480. Disease mechanism: loss of function.

Allele frequency attached by ClinVar (database versions not stated): gnomAD exomes below 0.00001; ExAC 0.00001.
gnomAD v4.1: 2 of 1,614,186 alleles (0.00012%); highest among the groups gnomAD compares: South Asian, 0.0011%; no homozygotes.

Submissions (3):

Baylor Genetics
Classification: Uncertain significance for Familial cancer of breast. Last evaluated: 2023-09-20. Review status: criteria provided, single submitter. Criteria: ACMG Guidelines, 2015. Collection method: clinical testing. Allele origin: unknown.

Ambry Genetics
Classification: Uncertain significance for Hereditary cancer-predisposing syndrome. Last evaluated: 2022-09-25. Review status: criteria provided, single submitter. Criteria: Ambry Variant Classification Scheme 2023. Collection method: clinical testing. Allele origin: germline.
Comment: The p.S1026P variant (also known as c.3076T>C), located in coding exon 19 of the BRIP1 gene, results from a T to C substitution at nucleotide position 3076. The serine at codon 1026 is replaced by proline, an amino acid with similar properties. This amino acid position is not well conserved in available vertebrate species. In addition, this alteration is predicted to be tolerated by in silico analysis. Since supporting evidence is limited at this time, the clinical significance of this alteration remains unclear.

Labcorp Genetics (formerly Invitae), Labcorp
Classification: Uncertain significance for Familial cancer of breast; Fanconi anemia complementation group J. Last evaluated: 2021-08-30. Review status: criteria provided, single submitter. Criteria: Invitae Variant Classification Sherloc (09022015). Collection method: clinical testing. Allele origin: germline.
Comment: This sequence change replaces serine with proline at codon 1026 of the BRIP1 protein (p.Ser1026Pro). The serine residue is weakly conserved and there is a moderate physicochemical difference between serine and proline. This variant is present in population databases (rs756712872, ExAC 0.006%). This variant has not been reported in the literature in individuals affected with BRIP1-related conditions. ClinVar contains an entry for this variant (Variation ID: 483213). Algorithms developed to predict the effect of missense changes on protein structure and function output the following: SIFT: "Tolerated"; PolyPhen-2: "Benign"; Align-GVGD: "Class C0". The proline amino acid residue is found in multiple mammalian species, which suggests that this missense change does not adversely affect protein function. In summary, the available evidence is currently insufficient to determine the role of this variant in disease. Therefore, it has been classified as a Variant of Uncertain Significance.